The following is an entry in ClinVar:

NM_001697.3(ATP5PO):c.507A>G (p.Gln169=)

Gene: ATP5PO (ATP synthase peripheral stalk subunit OSCP; minus strand). Cytogenetic location: 21q22.11.
Variant type: single nucleotide variant.
Coding change: c.507A>G on transcript NM_001697.3 (MANE Select); coding-DNA position 507, A replaced by G.
Protein change: p.Gln169=; no amino-acid change (glutamine 169 retained).
Molecular consequence: synonymous variant.
Genome position (GRCh38, 1-based): chr21:33,903,956, T>C on the plus strand (A>G on the coding strand, the complement: ATP5PO is on the minus strand). VCF-style: chr21-33903956-T-C. GRCh37 (hg19) VCF-style: chr21-35276260-T-C.
Identifiers: ClinVar variation 5040993 (VCV005040993.1).

ClinVar aggregate classification (germline): Likely benign (1 of 4 stars; one submission).

gnomAD v4.1: 24 of 1,612,372 alleles (0.0015%); highest among the groups gnomAD compares: African/African-American, 0.0027%; no homozygotes.

Submission:

CeGaT Center for Human Genetics Tuebingen
Classification: Likely benign. Last evaluated: 2026-09-01. Review status: criteria provided, single submitter. Criteria: CeGaT Center For Human Genetics Tuebingen Variant Classification Criteria Version 2. Collection method: clinical testing. Allele origin: germline. Affected: yes. Observed: 1 variant allele.
Comment: ATP5PO: BP4, BP7